The following is an entry in ClinVar:

NM_001372.4(DNAH9):c.1312C>T (p.Arg438Ter)

Gene: DNAH9 (dynein axonemal heavy chain 9; plus strand). Cytogenetic location: 17p12.
Variant type: single nucleotide variant.
Coding change: c.1312C>T on transcript NM_001372.4 (MANE Select); coding-DNA position 1312, C replaced by T.
Protein change: p.Arg438Ter; replaces arginine 438 with a stop codon.
Molecular consequence: nonsense.
Genome position (GRCh38, 1-based): chr17:11,619,743, C>T. VCF-style: chr17-11619743-C-T. GRCh37 (hg19) VCF-style: chr17-11523060-C-T.
Other names: short protein forms R438*.
Identifiers: ClinVar variation 2427812 (VCV002427812.6), dbSNP rs754211366, ClinGen allele CA8394795.

ClinVar aggregate classification (germline): Pathogenic (1 of 4 stars; one submission).

Allele frequency attached by ClinVar (database versions not stated): TOPMed below 0.00001; ExAC 0.00001; gnomAD 0.00001.
gnomAD v4.1: 9 of 1,613,640 alleles (0.00056%); highest among the groups gnomAD compares: Middle Eastern, 0.017%; no homozygotes.

Submission:

Labcorp Genetics (formerly Invitae), Labcorp
Classification: Pathogenic. Last evaluated: 2023-08-07. Review status: criteria provided, single submitter. Criteria: Invitae Variant Classification Sherloc (09022015). Collection method: clinical testing. Allele origin: germline.
Comment: This sequence change creates a premature translational stop signal (p.Arg438*) in the DNAH9 gene. It is expected to result in an absent or disrupted protein product. Loss-of-function variants in DNAH9 are known to be pathogenic (PMID: 30471718). This variant is present in population databases (rs754211366, gnomAD 0.0009%). This variant has not been reported in the literature in individuals affected with DNAH9-related conditions. ClinVar contains an entry for this variant (Variation ID: 2427812). For these reasons, this variant has been classified as Pathogenic.

Literature cited by the submitters: PubMed 30471718.